The following is an entry in ClinVar:

NM_002834.5(PTPN11):c.454C>G (p.Arg152Gly)

Gene: PTPN11 (protein tyrosine phosphatase non-receptor type 11; plus strand). Cytogenetic location: 12q24.13.
Variant type: single nucleotide variant.
Coding change: c.454C>G on transcript NM_002834.5 (MANE Select); coding-DNA position 454, C replaced by G.
Protein change: p.Arg152Gly; replaces arginine 152 with glycine.
Molecular consequence: missense variant.
Genome position (GRCh38, 1-based): chr12:112,453,316, C>G. VCF-style: chr12-112453316-C-G. GRCh37 (hg19) VCF-style: chr12-112891120-C-G.
Other names: c.454C>G, p.Arg152Gly (NM_001330437.2, NM_080601.3); c.451C>G, p.Arg151Gly (NM_001374625.1); short protein forms R151G, R152G.
Identifiers: ClinVar variation 4803087 (VCV004803087.1).

ClinVar aggregate classification (germline): Uncertain significance (1 of 4 stars; one submission).

Conditions:
RASopathy. Also called: rasopathies; Noonan spectrum disorder. Identifiers: Orphanet 536391, MedGen C5555857, MONDO:0021060.

Submission:

Labcorp Genetics (formerly Invitae), Labcorp
Classification: Uncertain significance for RASopathy. Last evaluated: 2025-04-20. Review status: criteria provided, single submitter. Criteria: Invitae Variant Classification Sherloc (09022015). Collection method: clinical testing. Allele origin: germline.
Comment: This sequence change replaces arginine, which is basic and polar, with glycine, which is neutral and non-polar, at codon 152 of the PTPN11 protein (p.Arg152Gly). This variant is not present in population databases (gnomAD no frequency). This variant has not been reported in the literature in individuals affected with PTPN11-related conditions. Invitae Evidence Modeling of protein sequence and biophysical properties (such as structural, functional, and spatial information, amino acid conservation, physicochemical variation, residue mobility, and thermodynamic stability) indicates that this missense variant is expected to disrupt PTPN11 protein function with a positive predictive value of 95%. In summary, the available evidence is currently insufficient to determine the role of this variant in disease. Therefore, it has been classified as a Variant of Uncertain Significance.